The following is an entry in ClinVar:

NM_005334.3(HCFC1):c.1852G>A (p.Gly618Arg)

Gene: HCFC1 (host cell factor C1; minus strand). Cytogenetic location: Xq28.
Variant type: single nucleotide variant.
Coding change: c.1852G>A on transcript NM_005334.3 (MANE Select); coding-DNA position 1852, G replaced by A.
Protein change: p.Gly618Arg; replaces glycine 618 with arginine.
Molecular consequence: missense variant.
Genome position (GRCh38, 1-based): chrX:153,958,201, C>T on the plus strand (G>A on the coding strand, the complement: HCFC1 is on the minus strand). VCF-style: chrX-153958201-C-T. GRCh37 (hg19) VCF-style: chrX-153223652-C-T.
Other names: c.1852G>A, p.Gly618Arg (NM_001410705.1); short protein forms G618R.
Identifiers: ClinVar variation 2577747 (VCV002577747.2), dbSNP rs2521629387, ClinGen allele CA415134303.

ClinVar aggregate classification (germline): Uncertain significance (1 of 4 stars; one submission).

Submission:

GeneDx
Classification: Uncertain significance. Last evaluated: 2025-09-17. Review status: criteria provided, single submitter. Criteria: GeneDx Variant Classification Process June 2021. Collection method: clinical testing. Allele origin: germline.
Comment: Not observed at significant frequency in large population cohorts (gnomAD); In silico analysis supports that this missense variant has a deleterious effect on protein structure/function; Has not been previously published as pathogenic or benign to our knowledge